The following is an entry in ClinVar:

NM_000138.5(FBN1):c.8143_8144insCTCCCCAGAGGCT (p.Cys2715fs)

Gene: FBN1 (fibrillin 1; minus strand). Cytogenetic location: 15q21.1.
Variant type: Insertion.
Coding change: c.8143_8144insCTCCCCAGAGGCT on transcript NM_000138.5 (MANE Select); coding-DNA positions 8143 to 8144, CTCCCCAGAGGCT inserted.
Protein change: p.Cys2715fs; shifts the reading frame from cysteine 2715.
Molecular consequence: frameshift variant.
Genome position: GRCh38 VCF-style: chr15-48412651-C-CAGCCTCTGGGGAG. GRCh37 (hg19) VCF-style: chr15-48704848-C-CAGCCTCTGGGGAG.
Other names: c.8143_8144insCTCCCCAGAGGCT, p.Cys2715fs (NM_001406716.1); short protein forms C2715fs.
Identifiers: ClinVar variation 3338650 (VCV003338650.1).
Genomic context (GRCh38, chr15:48,412,651, plus strand): 5'-TCGTTTGTGCTTCTCCGTTTCCTGCCCCGTTTGGGGTAGCCATTGATCTTACACTCGTAA[C>CAGCCTCTGGGGAG]AAGCCTCTGGGGAGAGTGAATTGTCATCCATTTCACCACTGACAGGTGGCTCTGGGTTTC-3'

ClinVar aggregate classification (germline): Likely pathogenic (1 of 4 stars; one submission).

Conditions:
Marfan syndrome (MFS). Also called: MARFAN SYNDROME, TYPE I; Marfan syndrome type 1; Marfan's syndrome; Marfan syndrome, classic; FBN1-Related Marfan Syndrome. Identifiers: Orphanet 284963, Orphanet 558, MedGen C0024796, MONDO:0007947, OMIM 154700.

Submission:

Center for Human Genetics and Genomic Medicine, Uniklinik Rwth Aachen
Classification: Likely pathogenic for Marfan syndrome. Review status: criteria provided, single submitter. Criteria: ACMG Guidelines, 2015. Collection method: clinical testing. Allele origin: unknown. Inheritance: Autosomal dominant inheritance. Affected: yes.
Comment: The detected variant is not present in any databases. The variante leads to a premature stop codon. It was ranked as likely pathogenic (PVS1, PM2)